The following is an entry in ClinVar:

ClinVar aggregate classification (germline): Likely benign (1 of 4 stars; one submission).

Allele frequency attached by ClinVar (database versions not stated): gnomAD exomes below 0.00001.

Submission:

CeGaT Center for Human Genetics Tuebingen
Classification: Likely benign. Last evaluated: 2022-07-01. Review status: criteria provided, single submitter. Criteria: CeGaT Center For Human Genetics Tuebingen Variant Classification Criteria Version 2. Collection method: clinical testing. Allele origin: germline. Affected: yes. Observed: 1 variant allele.
Comment: PCDH19: PM2:Supporting, BP4, BP7

NM_001184880.2(PCDH19):c.2073C>T (p.Ile691=)

Gene: PCDH19 (protocadherin 19; minus strand). Cytogenetic location: Xq22.1.
Variant type: single nucleotide variant.
Coding change: c.2073C>T on transcript NM_001184880.2 (MANE Select); coding-DNA position 2073, C replaced by T.
Protein change: p.Ile691=; no amino-acid change (isoleucine 691 retained).
Molecular consequence: synonymous variant.
Genome position (GRCh38, 1-based): chrX:100,406,525, G>A on the plus strand (C>T on the coding strand, the complement: PCDH19 is on the minus strand). VCF-style: chrX-100406525-G-A. GRCh37 (hg19) VCF-style: chrX-99661523-G-A.
Other names: c.2073C>T, p.Ile691= (NM_001105243.2, NM_020766.3).
Identifiers: ClinVar variation 2661027 (VCV002661027.24), dbSNP rs2520975480, ClinGen allele CA517747542.
Genomic context (GRCh38, chrX:100,406,525, plus strand): 5'-CCGGATCTCTTTGTTGTCTCGCTTGCACTTGATTGCCACGAAGATCATAGTTACAAAGAG[G>A]ATGCCCGCAATGGAGCCCAGGGCAATAATGAAAATCAAGGACAAGTTCACAGAGCCCATT-3'
Protein context (NP_001171809.1, residues 681-701): FIIALGSIAG[Ile691=]LFVTMIFVAI